The following is an entry in ClinVar:

ClinVar aggregate classification (germline): Uncertain significance (1 of 4 stars; one submission).

gnomAD v4.1: 4 of 1,611,562 alleles (0.00025%); highest among the groups gnomAD compares: Non-Finnish European, 0.00025%; no homozygotes.

Submission:

Ambry Genetics
Classification: Uncertain significance. Last evaluated: 2022-12-11. Review status: criteria provided, single submitter. Criteria: Ambry Variant Classification Scheme 2023. Collection method: clinical testing. Allele origin: germline.
Comment: The p.V406I variant (also known as c.1216G>A), located in coding exon 6 of the MNDA gene, results from a G to A substitution at nucleotide position 1216. The valine at codon 406 is replaced by isoleucine, an amino acid with highly similar properties. This amino acid position is conserved. In addition, this alteration is predicted to be tolerated by in silico analysis. Since supporting evidence is limited at this time, the clinical significance of this alteration remains unclear.

NM_002432.3(MNDA):c.1216G>A (p.Val406Ile)

Gene: MNDA (myeloid cell nuclear differentiation antigen; plus strand). Cytogenetic location: 1q23.1.
Variant type: single nucleotide variant.
Coding change: c.1216G>A on transcript NM_002432.3 (MANE Select); coding-DNA position 1216, G replaced by A.
Protein change: p.Val406Ile; replaces valine 406 with isoleucine.
Molecular consequence: missense variant.
Genome position (GRCh38, 1-based): chr1:158,849,229, G>A. VCF-style: chr1-158849229-G-A. GRCh37 (hg19) VCF-style: chr1-158819019-G-A.
Other names: short protein forms V406I.
Identifiers: ClinVar variation 2497008 (VCV002497008.2), dbSNP rs768027494, ClinGen allele CA31309123.